The following is an entry in ClinVar:

ClinVar aggregate classification (germline): Likely benign (1 of 4 stars; one submission).

Conditions:
Neuronopathy, distal hereditary motor, autosomal recessive 4. Also called: NEUROPATHY, DISTAL HEREDITARY MOTOR, AUTOSOMAL RECESSIVE 4; Autosomal recessive lower motor neuron disease with childhood onset. Identifiers: Orphanet 206580, MedGen C1970211, MONDO:0012608, OMIM 611067.

Allele frequency attached by ClinVar (database versions not stated): gnomAD 0.00057 and 0.00067; TOPMed 0.00083; 1000 Genomes Project 30x 0.00234; 1000 Genomes Project 0.00240.

Submission:

Illumina Laboratory Services, Illumina
Classification: Likely benign for Neuronopathy, distal hereditary motor, autosomal recessive 4. Last evaluated: 2018-01-12. Review status: criteria provided, single submitter. Criteria: ICSL Variant Classification Criteria 13 December 2019. Collection method: clinical testing. Allele origin: germline.
Comment: This variant was observed in the ICSL laboratory as part of a predisposition screen in an ostensibly healthy population. It had not been previously curated by ICSL or reported in the Human Gene Mutation Database (HGMD: prior to June 1st, 2018), and was therefore a candidate for classification through an automated scoring system. Utilizing variant allele frequency, disease prevalence and penetrance estimates, and inheritance mode, an automated score was calculated to assess if this variant is too frequent to cause the disease. Based on the score and internal cut-off values, a variant classified as likely benign is not then subjected to further curation. The score for this variant resulted in a classification of likely benign for this disease.

NM_020631.6(PLEKHG5):c.-113C>A

Gene: PLEKHG5 (pleckstrin homology and RhoGEF domain containing G5; minus strand). Cytogenetic location: 1p36.31.
Variant type: single nucleotide variant.
Coding change: c.-113C>A on transcript NM_020631.6 (MANE Select); 113 bases upstream of the start codon, C replaced by A.
Molecular consequence: 5 prime UTR variant. On other transcripts: intron variant (3).
Genome position (GRCh38, 1-based): chr1:6,491,662, G>T on the plus strand (C>A on the coding strand, the complement: PLEKHG5 is on the minus strand). VCF-style: chr1-6491662-G-T. GRCh37 (hg19) VCF-style: chr1-6551722-G-T.
Other names: c.-88+4831C>A (NM_198681.4); c.24+4831C>A (NM_001042663.3, NM_001265592.2).
Identifiers: ClinVar variation 873953 (VCV000873953.4), dbSNP rs190848227, ClinGen allele CA17194138.